The following is an entry in ClinVar:

ClinVar aggregate classification (germline): Uncertain significance (0 of 4 stars; one submission).

Conditions:
Mulibrey nanism syndrome. Also called: MUSCLE-LIVER-BRAIN-EYE NANISM; PERHEENTUPA SYNDROME; PERICARDIAL CONSTRICTION AND GROWTH FAILURE. Identifiers: Orphanet 2576, MedGen C0524582, MONDO:0009664, OMIM 253250.

Submission:

Broad Center for Mendelian Genomics, Broad Institute of MIT and Harvard
Classification: Uncertain significance for Mulibrey nanism syndrome. Last evaluated: 2020-11-16. Review status: no assertion criteria provided. Collection method: curation. Allele origin: germline. Inheritance: Autosomal recessive inheritance.
Comment: The variant has not been previously reported in individuals with mulibrey nanism and was absent from large population studies. Computational prediction tools, including splice predictors, and conservation analyses suggest that this variant may not impact the protein, though this information is not predictive enough to rule out pathogenicity. In summary, the clinical significance of the variant is uncertain. ACMG/AMP Criteria applied: PM2, BP4 (Richards 2015).

NM_015294.6(TRIM37):c.2243G>A (p.Cys748Tyr)

Gene: TRIM37 (tripartite motif containing 37; minus strand). Cytogenetic location: 17q22.
Variant type: single nucleotide variant.
Coding change: c.2243G>A on transcript NM_015294.6 (MANE Select); coding-DNA position 2243, G replaced by A.
Protein change: p.Cys748Tyr; replaces cysteine 748 with tyrosine.
Molecular consequence: missense variant. On other transcripts: non-coding transcript variant (2).
Genome position (GRCh38, 1-based): chr17:59,028,429, C>T on the plus strand (G>A on the coding strand, the complement: TRIM37 is on the minus strand). VCF-style: chr17-59028429-C-T. GRCh37 (hg19) VCF-style: chr17-57105790-C-T.
Other names: c.2243G>A, p.Cys748Tyr (NM_001005207.5, NM_001320988.3, NM_001320989.3 and 1 more transcripts); c.2141G>A, p.Cys714Tyr (NM_001320987.3, NM_001353082.2); c.1877G>A, p.Cys626Tyr (NM_001320990.3); c.1508G>A, p.Cys503Tyr (NM_001353083.2); c.1781G>A, p.Cys594Tyr (NM_001353085.2); c.2192G>A, p.Cys731Tyr (NM_001353086.2); short protein forms C503Y, C594Y, C626Y, C714Y, C731Y, C748Y.
Identifiers: ClinVar variation 986366 (VCV000986366.1), dbSNP rs2037467316, ClinGen allele CA400394022.
Genomic context (GRCh38, chr17:59,028,429, plus strand): 5'-TCCCAAATAACGTGTGGAGAAATGACACTGGGAACATATTACTTACAGTTTCGTATGTAA[C>T]AATTGGCAACTGATGACTTTGCCAGGAGTTCCATTCCCAAATCCTGCAATCTGCCAGAGT-3'
Protein context (NP_056109.1, residues 738-758): ELLAKSSVAN[Cys748Tyr]YIRNSTNKKS